The following is an entry in ClinVar:

NM_001081.4(CUBN):c.8701G>A (p.Val2901Ile)

Gene: CUBN (cubilin; minus strand). Cytogenetic location: 10p13.
Variant type: single nucleotide variant.
Coding change: c.8701G>A on transcript NM_001081.4 (MANE Select); coding-DNA position 8701, G replaced by A.
Protein change: p.Val2901Ile; replaces valine 2901 with isoleucine.
Molecular consequence: missense variant.
Genome position (GRCh38, 1-based): chr10:16,890,425, C>T on the plus strand (G>A on the coding strand, the complement: CUBN is on the minus strand). VCF-style: chr10-16890425-C-T. GRCh37 (hg19) VCF-style: chr10-16932424-C-T.
Other names: short protein forms V2901I.
Identifiers: ClinVar variation 299396 (VCV000299396.14), dbSNP rs201093611, ClinGen allele CA5422940.

ClinVar aggregate classification (germline): Uncertain significance. Review status: criteria provided, multiple submitters, no conflicts (2 of 4 stars). 5 submissions from 5 submitters: Uncertain significance (5). Last evaluated 2026-05-05.

Conditions:
Imerslund-Grasbeck syndrome. Also called: ENTEROCYTE COBALAMIN MALABSORPTION; ENTEROCYTE INTRINSIC FACTOR RECEPTOR, DEFECT OF; PERNICIOUS ANEMIA, JUVENILE, DUE TO SELECTIVE INTESTINAL MALABSORPTION OF VITAMIN B12, WITH PROTEINURIA; Megaloblastic anemia due to inborn errors of metabolism; Imerslund-Gräsbeck syndrome. Identifiers: Orphanet 35858, MedGen C4551825, MONDO:0009853.
Proteinuria, chronic benign. Identifiers: MedGen C5394384, MONDO:0030042, OMIM 618884.
Imerslund-Grasbeck syndrome type 1 (IGS1). Also called: Megaloblastic anemia 1, Finnish type; MEGALOBLASTIC ANEMIA, 1; Imerslund-Gräsbeck syndrome 1. Identifiers: MedGen C4016819, MONDO:0100156, OMIM 261100.
CUBN-related disorder. Also called: CUBN-related condition.

Allele frequency attached by ClinVar (database versions not stated): gnomAD 0.00004 and 0.00009; ESP Exome Variant Server 0.00008; TOPMed 0.00009; gnomAD exomes 0.00013 and 0.00023; 1000 Genomes Project 30x 0.00016; 1000 Genomes Project 0.00020; ExAC 0.00024.
gnomAD v4.1: 218 of 1,614,012 alleles (0.014%); highest among the groups gnomAD compares: South Asian, 0.11%; no homozygotes.

Submissions (5):

PreventionGenetics, part of Exact Sciences
Classification: Uncertain significance for CUBN-related condition. Last evaluated: 2026-05-05. Review status: criteria provided, single submitter. Criteria: ACMG Guidelines, 2015. Collection method: clinical testing. Allele origin: germline.
Comment: The CUBN c.8701G>A variant is predicted to result in the amino acid substitution p.Val2901Ile. To our knowledge, this variant has not been reported in the literature. This variant is reported in 0.10% of alleles in individuals of South Asian descent in gnomAD. At this time, the clinical significance of this variant is uncertain due to the absence of conclusive functional and genetic evidence.

Labcorp Genetics (formerly Invitae), Labcorp
Classification: Uncertain significance for Imerslund-Grasbeck syndrome. Last evaluated: 2024-07-16. Review status: criteria provided, single submitter. Criteria: Invitae Variant Classification Sherloc (09022015). Collection method: clinical testing. Allele origin: germline.
Comment: This sequence change replaces valine, which is neutral and non-polar, with isoleucine, which is neutral and non-polar, at codon 2901 of the CUBN protein (p.Val2901Ile). This variant is present in population databases (rs201093611, gnomAD 0.1%). This variant has not been reported in the literature in individuals affected with CUBN-related conditions. ClinVar contains an entry for this variant (Variation ID: 299396). Advanced modeling of protein sequence and biophysical properties (such as structural, functional, and spatial information, amino acid conservation, physicochemical variation, residue mobility, and thermodynamic stability) performed at Invitae indicates that this missense variant is not expected to disrupt CUBN protein function with a negative predictive value of 80%. In summary, the available evidence is currently insufficient to determine the role of this variant in disease. Therefore, it has been classified as a Variant of Uncertain Significance.

Fulgent Genetics
Classification: Uncertain significance for Imerslund-Grasbeck syndrome type 1; Proteinuria, chronic benign. Last evaluated: 2023-12-29. Review status: criteria provided, single submitter. Criteria: ACMG Guidelines, 2015. Collection method: clinical testing. Allele origin: germline.

Baylor Genetics
Classification: Uncertain significance for Imerslund-Grasbeck syndrome type 1. Last evaluated: 2018-02-05. Review status: criteria provided, single submitter. Criteria: ACMG Guidelines, 2015. Collection method: clinical testing. Allele origin: maternal. Affected: yes.
Comment: This variant was determined to be of uncertain significance according to ACMG Guidelines, 2015 [PMID:25741868].

Illumina Laboratory Services, Illumina
Classification: Uncertain significance for Imerslund-Grasbeck syndrome type 1. Last evaluated: 2018-01-13. Review status: criteria provided, single submitter. Criteria: ICSL Variant Classification Criteria 13 December 2019. Collection method: clinical testing. Allele origin: germline.